The following is an entry in ClinVar:

ClinVar aggregate classification (germline): Uncertain significance. Review status: criteria provided, multiple submitters, no conflicts (2 of 4 stars). 5 submissions from 5 submitters: Uncertain significance (5). Last evaluated 2025-03-18.

Conditions:
Arrhythmogenic right ventricular cardiomyopathy (ARVD). Also called: Cardiomyopathy, ARVC; Arrhythmogenic right ventricular dysplasia; Arrhythmogenic Right Ventricular Cardiomyopathy (ARVC); Arrhythmogenic cardiomyopathy. Identifiers: Orphanet 247, MedGen C0349788, MeSH D019571, MONDO:0016587. Disease mechanism: loss of function. Inheritance: Various modes of inheritance.
Cardiovascular phenotype. Identifiers: MedGen CN230736.
Cardiomyopathy (CMYO). Also called: Cardiomyopathies. Identifiers: Orphanet 167848, MedGen C0878544, MONDO:0004994, HP:0001638. Inheritance: Various modes of inheritance.
Arrhythmogenic right ventricular dysplasia 10. Also called: Arrhythmogenic right ventricular dysplasia/cardiomyopathy, type 10; Arrhythmogenic Right Ventricular Dysplasia/Cardiomyopathy10; ARRHYTHMOGENIC RIGHT VENTRICULAR DYSPLASIA, FAMILIAL, 10. Identifiers: MedGen C1857777, MONDO:0012434, OMIM 610193.

Allele frequency attached by ClinVar (database versions not stated): gnomAD exomes below 0.00001.
gnomAD v4.1: 3 of 1,614,184 alleles (0.00019%); highest among the groups gnomAD compares: East Asian, 0.0022%; no homozygotes.

Submissions (5):

GeneDx
Classification: Uncertain significance. Last evaluated: 2025-03-18. Review status: criteria provided, single submitter. Criteria: GeneDx Variant Classification Process June 2021. Collection method: clinical testing. Allele origin: germline. Affected: yes.
Comment: Not observed at significant frequency in large population cohorts (gnomAD); In silico analysis supports that this missense variant has a deleterious effect on protein structure/function; Has not been previously published as pathogenic or benign to our knowledge

Ambry Genetics
Classification: Uncertain significance for Cardiovascular phenotype. Last evaluated: 2024-11-10. Review status: criteria provided, single submitter. Criteria: Ambry Variant Classification Scheme 2023. Collection method: clinical testing. Allele origin: germline.
Comment: The p.D417N variant (also known as c.1249G>A), located in coding exon 9 of the DSG2 gene, results from a G to A substitution at nucleotide position 1249. The aspartic acid at codon 417 is replaced by asparagine, an amino acid with highly similar properties. This amino acid position is conserved. In addition, the in silico prediction for this alteration is inconclusive. Based on the available evidence, the clinical significance of this variant remains unclear.

Labcorp Genetics (formerly Invitae), Labcorp
Classification: Uncertain significance for Arrhythmogenic right ventricular dysplasia 10. Last evaluated: 2024-10-13. Review status: criteria provided, single submitter. Criteria: Invitae Variant Classification Sherloc (09022015). Collection method: clinical testing. Allele origin: germline.
Comment: This sequence change replaces aspartic acid, which is acidic and polar, with asparagine, which is neutral and polar, at codon 417 of the DSG2 protein (p.Asp417Asn). This variant is not present in population databases (gnomAD no frequency). This variant has not been reported in the literature in individuals affected with DSG2-related conditions. ClinVar contains an entry for this variant (Variation ID: 1331962). Invitae Evidence Modeling of protein sequence and biophysical properties (such as structural, functional, and spatial information, amino acid conservation, physicochemical variation, residue mobility, and thermodynamic stability) has been performed for this missense variant. However, the output from this modeling did not meet the statistical confidence thresholds required to predict the impact of this variant on DSG2 protein function. In summary, the available evidence is currently insufficient to determine the role of this variant in disease. Therefore, it has been classified as a Variant of Uncertain Significance.

All of Us Research Program, National Institutes of Health
Classification: Uncertain significance for Arrhythmogenic right ventricular cardiomyopathy. Last evaluated: 2024-05-14. Review status: criteria provided, single submitter. Criteria: ACMG Guidelines, 2015. Collection method: clinical testing. Allele origin: germline. Inheritance: Autosomal dominant inheritance. Observed: 3 variant alleles, 3 heterozygotes.
Comment: This missense variant replaces aspartic acid with asparagine at codon 417 of the DSG2 protein. Computational prediction is inconclusive regarding the impact of this variant on protein structure and function (internally defined REVEL score threshold 0.5 < inconclusive < 0.7, PMID: 27666373). To our knowledge, functional studies have not been reported for this variant. This variant has not been reported in individuals affected with cardiovascular disorders in the literature. This variant has not been identified in the general population by the Genome Aggregation Database (gnomAD). The available evidence is insufficient to determine the role of this variant in disease conclusively. Therefore, this variant is classified as a Variant of Uncertain Significance.

This study involves interpretation of variants in research participants for the purpose of population health screening. Participant phenotype was not available at the time of variant classification. Additional details can be found in publication PMID: 35346344, PMCID: PMC8962531

Color Diagnostics, LLC DBA Color Health
Classification: Uncertain significance for Cardiomyopathy. Last evaluated: 2024-03-06. Review status: criteria provided, single submitter. Criteria: ACMG Guidelines, 2015. Collection method: clinical testing. Allele origin: germline.
Comment: This missense variant replaces aspartic acid with asparagine at codon 417 of the DSG2 protein. Computational prediction is inconclusive regarding the impact of this variant on protein structure and function (internally defined REVEL score threshold 0.5 < inconclusive < 0.7, PMID: 27666373). To our knowledge, functional studies have not been reported for this variant. This variant has not been reported in individuals affected with cardiovascular disorders in the literature. This variant has not been identified in the general population by the Genome Aggregation Database (gnomAD). The available evidence is insufficient to determine the role of this variant in disease conclusively. Therefore, this variant is classified as a Variant of Uncertain Significance.

NM_001943.5(DSG2):c.1249G>A (p.Asp417Asn)

Gene: DSG2 (desmoglein 2; plus strand). Cytogenetic location: 18q12.1.
Variant type: single nucleotide variant.
Coding change: c.1249G>A on transcript NM_001943.5 (MANE Select); coding-DNA position 1249, G replaced by A.
Protein change: p.Asp417Asn; replaces aspartic acid 417 with asparagine.
Molecular consequence: missense variant.
Genome position (GRCh38, 1-based): chr18:31,531,221, G>A. VCF-style: chr18-31531221-G-A. GRCh37 (hg19) VCF-style: chr18-29111184-G-A.
Other names: c.1249G>A (NM_001943.3); short protein forms D417N.
Identifiers: ClinVar variation 1331962 (VCV001331962.10), dbSNP rs2144333116, ClinGen allele CA402139478.